The following is an entry in ClinVar:

NM_002490.6(NDUFA6):c.116G>A (p.Trp39Ter)

Gene: NDUFA6 (NADH:ubiquinone oxidoreductase subunit A6; minus strand). Cytogenetic location: 22q13.2.
Variant type: single nucleotide variant.
Coding change: c.116G>A on transcript NM_002490.6 (MANE Select); coding-DNA position 116, G replaced by A.
Protein change: p.Trp39Ter; replaces tryptophan 39 with a stop codon.
Molecular consequence: nonsense.
Genome position (GRCh38, 1-based): chr22:42,090,629, C>T on the plus strand (G>A on the coding strand, the complement: NDUFA6 is on the minus strand). VCF-style: chr22-42090629-C-T. GRCh37 (hg19) VCF-style: chr22-42486633-C-T.
Other names: short protein forms W39*.
Identifiers: ClinVar variation 1932167 (VCV001932167.5), dbSNP rs748209616, ClinGen allele CA10264407.
Genomic context (GRCh38, chr22:42,090,629, plus strand): 5'-CGGCCTCCGGGTCCCCACGTAAGCCGCTACCTCTCACCAGTGTTCGGCACCTCCCGATAC[C>T]AGGCGCGGTAGAGCTCGCGCACCCTCCGCTTGGCCTCGTTCATGTCCCGACTGAAAATGG-3'

ClinVar aggregate classification (germline): Uncertain significance (1 of 4 stars; one submission).

Allele frequency attached by ClinVar (database versions not stated): gnomAD exomes below 0.00001; TOPMed below 0.00001; ExAC 0.00001.
gnomAD v4.1: 4 of 1,613,980 alleles (0.00025%); highest among the groups gnomAD compares: Admixed American, 0.0017%; no homozygotes.

Submission:

Labcorp Genetics (formerly Invitae), Labcorp
Classification: Uncertain significance. Last evaluated: 2023-04-05. Review status: criteria provided, single submitter. Criteria: Invitae Variant Classification Sherloc (09022015). Collection method: clinical testing. Allele origin: germline.
Comment: This sequence change creates a premature translational stop signal (p.Trp65*) in the NDUFA6 gene. It is expected to result in an absent or disrupted protein product. However, the current clinical and genetic evidence is not sufficient to establish whether loss-of-function variants in NDUFA6 cause disease. This variant is present in population databases (rs748209616, gnomAD 0.003%). This variant has not been reported in the literature in individuals affected with NDUFA6-related conditions. ClinVar contains an entry for this variant (Variation ID: 1932167). In summary, the available evidence is currently insufficient to determine the role of this variant in disease. Therefore, it has been classified as a Variant of Uncertain Significance.